The following is an entry in ClinVar:

ClinVar aggregate classification (germline): Uncertain significance (1 of 4 stars; one submission).

Conditions:
Amyotrophic lateral sclerosis type 21. Also called: VOCAL CORD AND PHARYNGEAL DYSFUNCTION WITH DISTAL MYOPATHY; MYOPATHY, DISTAL, 2. Identifiers: Orphanet 600, Orphanet 803, MedGen C3807521, MONDO:0011632, OMIM 606070.

Submission:

Neuberg Centre For Genomic Medicine, NCGM
Classification: Uncertain significance for Amyotrophic lateral sclerosis type 21. Review status: criteria provided, single submitter. Criteria: ACMG Guidelines, 2015. Collection method: clinical testing. Allele origin: germline. Inheritance: Autosomal dominant inheritance. Affected: yes.
Comment: The c.734A>T (p.Lys245Ile) missense variant in MATR3 gene has not been reported previously as a pathogenic variant nor as a benign variant, to our knowledge. The p.Lys245Ile variant is novel (not in any individuals) in gnomAD Exomes and 1000 Genomes. The amino acid Lys at position 245 is changed to a Ile changing protein sequence and it might alter its composition and physico-chemical properties. The amino acid change p.Lys245Ile in MATR3 is predicted as conserved by GERP++ and PhyloP across 100 vertebrates. For these reasons, this variant has been classified as Variant of Uncertain Significance (VUS)

NM_018834.6(MATR3):c.734A>T (p.Lys245Ile)

Gene: MATR3 (matrin 3; plus strand). Cytogenetic location: 5q31.2.
Variant type: single nucleotide variant.
Coding change: c.734A>T on transcript NM_018834.6 (MANE Select); coding-DNA position 734, A replaced by T.
Protein change: p.Lys245Ile; replaces lysine 245 with isoleucine.
Molecular consequence: missense variant. On other transcripts: intron variant (11).
Genome position (GRCh38, 1-based): chr5:139,308,149, A>T. VCF-style: chr5-139308149-A-T. GRCh37 (hg19) VCF-style: chr5-138643838-A-T.
Other names: c.734A>T, p.Lys245Ile (NM_001194954.2, NM_001194955.2, NM_001400441.1 and 16 more transcripts); c.52-6526A>T (NM_001400459.1); c.-102-6526A>T (NM_001400463.1, NM_001400460.1, NM_001282278.2 and 3 more transcripts); c.-40-7548A>T (NM_001400462.1, NM_001400467.1); c.13-6526A>T (NM_001400461.1); c.49-6526A>T (NM_001194956.2); short protein forms K245I.
Identifiers: ClinVar variation 2585555 (VCV002585555.1), dbSNP rs2546758438, ClinGen allele CA361487952.